The following is an entry in ClinVar:

NM_000053.4(ATP7B):c.2188dup (p.Asp730fs)

Gene: ATP7B (ATPase copper transporting beta; minus strand). Cytogenetic location: 13q14.3.
Variant type: Duplication.
Coding change: c.2188dup on transcript NM_000053.4 (MANE Select); coding-DNA position 2188, one base duplicated (G; older notation c.2188dupG).
Protein change: p.Asp730fs; shifts the reading frame from aspartic acid 730.
Molecular consequence: frameshift variant. On other transcripts: intron variant (2).
Genome position (GRCh38, 1-based): chr13:51,958,478, C duplicated on the plus strand (G on the coding strand, the reverse complement: ATP7B is on the minus strand); the first of 2 consecutive C bases (chr13:51,958,478-51,958,479); duplicating either gives the same sequence. VCF-style (leftmost placement, unchanged base first): chr13-51958477-T-TC. GRCh37 (hg19) VCF-style: chr13-52532613-T-TC.
Other names: c.1855dup, p.Asp619fs (NM_001243182.2); c.1936dup, p.Asp646fs (NM_001330579.2); c.1870-872dup (NM_001005918.3); c.2122-872dup (NM_001330578.2); short protein forms D619fs, D646fs, D730fs.
Identifiers: ClinVar variation 1163944 (VCV001163944.8), dbSNP rs1958503241, ClinGen allele CA956036915.
Genomic context (GRCh38, chr13:51,958,477, plus strand): 5'-ACCACCAGGATGACCAGAGAATAAACATAAGCAATGCTTGTGGCCAGGACGATGAGCACG[T>TC]CCATGTTGGCTGACCTGTGTCTCAGAGATTTGTAGGCCTGAACGTAGAAGTACCACCCAC-3'

ClinVar aggregate classification (germline): Pathogenic/Likely pathogenic. Review status: criteria provided, multiple submitters, no conflicts (2 of 4 stars). 3 submissions from 3 submitters: Pathogenic (2); Likely pathogenic (1). Last evaluated 2026-07-07.

Conditions:
Wilson disease (WND). Also called: Wilson's disease. Identifiers: Orphanet 905, MedGen C0019202, MONDO:0010200, OMIM 277900. Disease mechanism: loss of function.
ATP7B-related disorder. Also called: ATP7B-related condition.

Submissions (3):

PreventionGenetics, part of Exact Sciences
Classification: Pathogenic for ATP7B-related condition. Last evaluated: 2026-07-07. Review status: criteria provided, single submitter. Criteria: ACMG Guidelines, 2015. Collection method: clinical testing. Allele origin: germline.
Comment: The ATP7B c.2188dupG variant is predicted to result in a frameshift and premature protein termination (p.Asp730Glyfs*25). This variant has been reported with an additional pathogenic variant in the same gene in an individual with clinical and biochemical characteristics consistent with Wilson disease (Yohanathan et al. 2021. PubMed ID: 33792185). This variant has not been reported in a large population database (gnomAD), indicating it is rare. Frameshift variants in ATP7B are expected to be pathogenic. This variant is interpreted as pathogenic.

Labcorp Genetics (formerly Invitae), Labcorp
Classification: Pathogenic for Wilson disease. Last evaluated: 2024-02-01. Review status: criteria provided, single submitter. Criteria: Invitae Variant Classification Sherloc (09022015). Collection method: clinical testing. Allele origin: germline.
Comment: This sequence change creates a premature translational stop signal (p.Asp730Glyfs*25) in the ATP7B gene. It is expected to result in an absent or disrupted protein product. Loss-of-function variants in ATP7B are known to be pathogenic (PMID: 10441329, 16283883). This variant is not present in population databases (gnomAD no frequency). This variant has not been reported in the literature in individuals affected with ATP7B-related conditions. ClinVar contains an entry for this variant (Variation ID: 1163944). For these reasons, this variant has been classified as Pathogenic.

Mayo Clinic Laboratories, Mayo Clinic
Classification: Likely pathogenic. Last evaluated: 2020-11-20. Review status: criteria provided, single submitter. Criteria: ACMG Guidelines, 2015. Collection method: clinical testing. Allele origin: germline. Observed: 1 variant allele.
Comment: PVS1, PM2

Literature cited by the submitters: PubMed 10441329 (cited by Labcorp Genetics (formerly Invitae), Labcorp); PubMed 16283883 (cited by Labcorp Genetics (formerly Invitae), Labcorp).